The following is an entry in ClinVar:

ClinVar aggregate classification (germline): Uncertain significance. Review status: criteria provided, multiple submitters, no conflicts (2 of 4 stars). 2 submissions from 2 submitters: Uncertain significance (2). Last evaluated 2024-09-30.

Conditions:
Hereditary cancer-predisposing syndrome. Also called: Hereditary neoplastic syndrome; Tumor predisposition; Hereditary Cancer Syndrome; Neoplastic Syndromes, Hereditary. Identifiers: Orphanet 140162, MedGen C0027672, MeSH D009386, MONDO:0015356.
Gastrointestinal stromal tumor. Also called: Gastrointestinal stroma tumor; Gastrointestinal stromal tumor, somatic. Identifiers: Orphanet 44890, MedGen C0238198, MeSH D046152, MONDO:0011719, OMIM 606764, HP:0100723.

Allele frequency attached by ClinVar (database versions not stated): gnomAD exomes below 0.00001; ExAC 0.00001.

Submissions (2):

Ambry Genetics
Classification: Uncertain significance for Hereditary cancer-predisposing syndrome. Last evaluated: 2024-09-30. Review status: criteria provided, single submitter. Criteria: Ambry Variant Classification Scheme 2023. Collection method: clinical testing. Allele origin: germline.
Comment: The p.D706G variant (also known as c.2117A>G), located in coding exon 14 of the PDGFRA gene, results from an A to G substitution at nucleotide position 2117. The aspartic acid at codon 706 is replaced by glycine, an amino acid with similar properties. This amino acid position is conserved. In addition, this alteration is predicted to be deleterious by in silico analysis. Based on the available evidence, the clinical significance of this variant remains unclear.

Labcorp Genetics (formerly Invitae), Labcorp
Classification: Uncertain significance for Gastrointestinal stromal tumor. Last evaluated: 2024-04-30. Review status: criteria provided, single submitter. Criteria: Invitae Variant Classification Sherloc (09022015). Collection method: clinical testing. Allele origin: germline.
Comment: This sequence change replaces aspartic acid, which is acidic and polar, with glycine, which is neutral and non-polar, at codon 706 of the PDGFRA protein (p.Asp706Gly). This variant is present in population databases (rs764225560, gnomAD 0.006%). This variant has not been reported in the literature in individuals affected with PDGFRA-related conditions. ClinVar contains an entry for this variant (Variation ID: 1482418). Advanced modeling of protein sequence and biophysical properties (such as structural, functional, and spatial information, amino acid conservation, physicochemical variation, residue mobility, and thermodynamic stability) performed at Invitae indicates that this missense variant is not expected to disrupt PDGFRA protein function with a negative predictive value of 80%. In summary, the available evidence is currently insufficient to determine the role of this variant in disease. Therefore, it has been classified as a Variant of Uncertain Significance.

NM_006206.6(PDGFRA):c.2117A>G (p.Asp706Gly)

Gene: PDGFRA (platelet derived growth factor receptor alpha; plus strand). Cytogenetic location: 4q12.
Variant type: single nucleotide variant.
Coding change: c.2117A>G on transcript NM_006206.6 (MANE Select); coding-DNA position 2117, A replaced by G.
Protein change: p.Asp706Gly; replaces aspartic acid 706 with glycine.
Molecular consequence: missense variant.
Genome position (GRCh38, 1-based): chr4:54,278,476, A>G. VCF-style: chr4-54278476-A-G. GRCh37 (hg19) VCF-style: chr4-55144643-A-G.
Other names: c.2117A>G (NM_006206.4); c.2117A>G, p.Asp706Gly (NM_001347827.2, NM_001347829.2); c.2192A>G, p.Asp731Gly (NM_001347828.2); c.2156A>G, p.Asp719Gly (NM_001347830.2); short protein forms D706G, D719G, D731G.
Identifiers: ClinVar variation 1482418 (VCV001482418.9), dbSNP rs764225560, ClinGen allele CA2922749.